The following is an entry in ClinVar:

ClinVar aggregate classification (germline): Uncertain significance. Review status: criteria provided, multiple submitters, no conflicts (2 of 4 stars). 2 submissions from 2 submitters: Uncertain significance (2). Last evaluated 2024-02-18.

Conditions:
Fanconi anemia complementation group A (FANCA). Also called: Fanconi anemia, group A; FANCA-Related Fanconi Anemia. Identifiers: Orphanet 84, MedGen C3469521, MONDO:0009215, OMIM 227650.
Fanconi anemia (FA). Also called: Fanconi's anemia. Identifiers: Orphanet 84, MedGen C0015625, MeSH D005199, MONDO:0019391.

Allele frequency attached by ClinVar (database versions not stated): gnomAD exomes below 0.00001; ExAC 0.00001; gnomAD 0.00001.
gnomAD v4.1: 5 of 1,603,898 alleles (0.00031%); highest among the groups gnomAD compares: Non-Finnish European, 0.00025%; no homozygotes.

Submissions (2):

Fulgent Genetics
Classification: Uncertain significance for Fanconi anemia complementation group A. Last evaluated: 2024-02-18. Review status: criteria provided, single submitter. Criteria: ACMG Guidelines, 2015. Collection method: clinical testing. Allele origin: germline.

Labcorp Genetics (formerly Invitae), Labcorp
Classification: Uncertain significance for Fanconi anemia. Last evaluated: 2021-09-24. Review status: criteria provided, single submitter. Criteria: Invitae Variant Classification Sherloc (09022015). Collection method: clinical testing. Allele origin: germline.
Comment: This sequence change replaces tryptophan with cysteine at codon 1173 of the FANCA protein (p.Trp1173Cys). The tryptophan residue is highly conserved and there is a large physicochemical difference between tryptophan and cysteine. This variant is present in population databases (rs758341181, ExAC 0.002%). This variant has not been reported in the literature in individuals with FANCA-related conditions. Algorithms developed to predict the effect of missense changes on protein structure and function (SIFT, PolyPhen-2, Align-GVGD) all suggest that this variant is likely to be disruptive, but these predictions have not been confirmed by published functional studies and their clinical significance is uncertain. In summary, the available evidence is currently insufficient to determine the role of this variant in disease. Therefore, it has been classified as a Variant of Uncertain Significance.

NM_000135.4(FANCA):c.3519G>C (p.Trp1173Cys)

Gene: FANCA (FA complementation group A; minus strand). Cytogenetic location: 16q24.3.
Variant type: single nucleotide variant.
Coding change: c.3519G>C on transcript NM_000135.4 (MANE Select); coding-DNA position 3519, G replaced by C.
Protein change: p.Trp1173Cys; replaces tryptophan 1173 with cysteine.
Molecular consequence: missense variant.
Genome position (GRCh38, 1-based): chr16:89,745,066, C>G on the plus strand (G>C on the coding strand, the complement: FANCA is on the minus strand). VCF-style: chr16-89745066-C-G. GRCh37 (hg19) VCF-style: chr16-89811474-C-G.
Other names: c.3519G>C, p.Trp1173Cys (NM_001286167.3); short protein forms W1173C.
Identifiers: ClinVar variation 2146510 (VCV002146510.2), dbSNP rs758341181, ClinGen allele CA8251105.